The following is an entry in ClinVar:

NM_000256.3(MYBPC3):c.3316G>A (p.Asp1106Asn)

Gene: MYBPC3 (myosin binding protein C3; minus strand). Cytogenetic location: 11p11.2.
Variant type: single nucleotide variant.
Coding change: c.3316G>A on transcript NM_000256.3 (MANE Select); coding-DNA position 3316, G replaced by A.
Protein change: p.Asp1106Asn; replaces aspartic acid 1106 with asparagine.
Molecular consequence: missense variant.
Genome position (GRCh38, 1-based): chr11:47,333,208, C>T on the plus strand (G>A on the coding strand, the complement: MYBPC3 is on the minus strand). VCF-style: chr11-47333208-C-T. GRCh37 (hg19) VCF-style: chr11-47354759-C-T.
Other names: c.3316G>A, p.Asp1106Asn (LRG_386t1); short protein forms D1106N.
Identifiers: ClinVar variation 431894 (VCV000431894.12), dbSNP rs377106864, ClinGen allele CA079283.

ClinVar aggregate classification (germline): Uncertain significance. Review status: criteria provided, multiple submitters, no conflicts (2 of 4 stars). 6 submissions from 6 submitters: Uncertain significance (6). Last evaluated 2025-04-18.

Conditions:
MYBPC3-related disorder. Also called: MYBPC3-related disorders; MYBPC3-related condition; MYBPC3-related disease.
Cardiovascular phenotype. Identifiers: MedGen CN230736.
Cardiomyopathy (CMYO). Also called: Cardiomyopathies. Identifiers: Orphanet 167848, MedGen C0878544, MONDO:0004994, HP:0001638. Inheritance: Various modes of inheritance.
Hypertrophic cardiomyopathy. Also called: HYPERTROPHIC MYOCARDIOPATHY. Identifiers: Orphanet 217569, MedGen C0007194, MeSH D002312, MONDO:0005045, HP:0001639.

Allele frequency attached by ClinVar (database versions not stated): gnomAD 0.00001; TOPMed 0.00001; gnomAD exomes 0.00003; ExAC 0.00006.
gnomAD v4.1: 64 of 1,601,302 alleles (0.004%); highest among the groups gnomAD compares: East Asian, 0.022%; no homozygotes.

Submissions (6):

Labcorp Genetics (formerly Invitae), Labcorp
Classification: Uncertain significance for Hypertrophic cardiomyopathy. Last evaluated: 2025-04-18. Review status: criteria provided, single submitter. Criteria: Invitae Variant Classification Sherloc (09022015). Collection method: clinical testing. Allele origin: germline.
Comment: This sequence change replaces aspartic acid, which is acidic and polar, with asparagine, which is neutral and polar, at codon 1106 of the MYBPC3 protein (p.Asp1106Asn). The frequency data for this variant in the population databases is considered unreliable, as metrics indicate poor data quality at this position in the gnomAD database. This missense change has been observed in individual(s) with hypertrophic cardiomyopathy (PMID: 27532257, 32492895, 33658040, 37652022). ClinVar contains an entry for this variant (Variation ID: 431894). An algorithm developed to predict the effect of missense changes on protein structure and function (PolyPhen-2) suggests that this variant is likely to be disruptive. In summary, the available evidence is currently insufficient to determine the role of this variant in disease. Therefore, it has been classified as a Variant of Uncertain Significance.

PreventionGenetics, part of Exact Sciences
Classification: Uncertain significance for MYBPC3-related condition. Last evaluated: 2025-03-21. Review status: criteria provided, single submitter. Criteria: ACMG Guidelines, 2015. Collection method: clinical testing. Allele origin: germline.
Comment: The MYBPC3 c.3316G>A variant is predicted to result in the amino acid substitution p.Asp1106Asn. This variant has been reported in the heterozygous state in individuals with hypertrophic cardiomyopathy (Table S1A, Walsh et al. 2017. PubMed ID: 27532257; Kim et al. 2020. PubMed ID: 32492895; Table S8, McGurk et al. 2023. PubMed ID: 37652022) and in one individual with neurally mediated syncope (Table S2, Lee et al. 2022. PubMed ID: 36005429). This variant is reported in 0.016% of alleles in individuals of East Asian descent in gnomAD. At this time, the clinical significance of this variant is uncertain due to the absence of conclusive functional and genetic evidence.

Ambry Genetics
Classification: Uncertain significance for Cardiovascular phenotype. Last evaluated: 2025-01-03. Review status: criteria provided, single submitter. Criteria: Ambry Variant Classification Scheme 2023. Collection method: clinical testing. Allele origin: germline.
Comment: The p.D1106N variant (also known as c.3316G>A), located in coding exon 30 of the MYBPC3 gene, results from a G to A substitution at nucleotide position 3316. The aspartic acid at codon 1106 is replaced by asparagine, an amino acid with highly similar properties. This variant was reported in individual(s) with features consistent with hypertrophic cardiomyopathy (Kim HY et al. J Clin Med, 2020 Jun;9; Walsh R et al. Genet Med, 2017 Feb;19:192-203; Chung H et al. J Cardiovasc Magn Reson, 2021 Mar;23:18). This amino acid position is highly conserved in available vertebrate species. In addition, this alteration is predicted to be tolerated by in silico analysis. Based on the available evidence, the clinical significance of this variant remains unclear.

Color Diagnostics, LLC DBA Color Health
Classification: Uncertain significance for Cardiomyopathy. Last evaluated: 2024-02-25. Review status: criteria provided, single submitter. Criteria: ACMG Guidelines, 2015. Collection method: clinical testing. Allele origin: germline.
Comment: This missense variant replaces aspartic acid with asparagine at codon 1106 of the MYBPC3 protein. Computational prediction tools indicate that this variant's impact on protein structure and function is inconclusive. To our knowledge, functional studies have not been reported for this variant. This variant has been reported in at least two individuals affected with hypertrophic cardiomyopathy (PMID: 27532257, 32492895). This variant has been identified in 8/256840 chromosomes in the general population by the Genome Aggregation Database (gnomAD). The available evidence is insufficient to determine the role of this variant in disease conclusively. Therefore, this variant is classified as a Variant of Uncertain Significance.

All of Us Research Program, National Institutes of Health
Classification: Uncertain significance for Hypertrophic cardiomyopathy. Last evaluated: 2024-01-11. Review status: criteria provided, single submitter. Criteria: ACMG Guidelines, 2015. Collection method: clinical testing. Allele origin: germline. Inheritance: Autosomal dominant inheritance. Observed: 5 variant alleles, 5 heterozygotes.
Comment: This missense variant replaces aspartic acid with asparagine at codon 1106 of the MYBPC3 protein. Computational prediction suggests that this variant may not impact protein structure and function (internally defined REVEL score threshold <= 0.5, PMID: 27666373). To our knowledge, functional studies have not been reported for this variant. This variant has been reported in at least 2 individuals affected with hypertrophic cardiomyopathy (PMID: 32492895, 27532257) and has been reported in an individual suspected of having cardiomyopathy (ClinVar SCV000589458.3). This variant has been identified in 8/256840 chromosomes in the general population by the Genome Aggregation Database (gnomAD). The available evidence is insufficient to determine the role of this variant in disease conclusively. Therefore, this variant is classified as a Variant of Uncertain Significance.

This study involves interpretation of variants in research participants for the purpose of population health screening. Participant phenotype was not available at the time of variant classification. Additional details can be found in publication PMID: 35346344, PMCID: PMC8962531

GeneDx
Classification: Uncertain significance. Last evaluated: 2018-11-08. Review status: criteria provided, single submitter. Criteria: GeneDx Variant Classification (06012015). Collection method: clinical testing. Allele origin: germline. Affected: yes.
Comment: This variant was not observed in approximately 6,200 individuals of European and African American ancestry in the NHLBI Exome Sequencing Project, indicating it is not a common benign variant in these populations. The D1106N variant is a semi-conservative amino acid substitution, which may impact secondary protein structure as these residues differ in some properties. This substitution occurs at a position that is conserved across species and in silico analysis predicts this variant is probably damaging to the protein structure/function. Furthermore, missense variants in nearby residues (T1109I, E1111G, F1113I, V1115I) have been reported in the Human Gene Mutation Database in association with HCM (Stenson et al., 2014), supporting the functional importance of this region of the protein. Therefore, based on the currently available information, it is unclear whether this variant is a pathogenic variant or a rare benign variant.

Literature cited by the submitters: PubMed 27532257 (cited by 4 submitters); PubMed 32492895 (cited by 4 submitters); PubMed 33658040 (cited by Labcorp Genetics (formerly Invitae), Labcorp and Ambry Genetics); PubMed 37652022 (cited by Labcorp Genetics (formerly Invitae), Labcorp).